The following is an entry in ClinVar:

ClinVar aggregate classification (germline): Uncertain significance (1 of 4 stars; one submission).

Submission:

GeneDx
Classification: Uncertain significance. Last evaluated: 2026-01-13. Review status: criteria provided, single submitter. Criteria: GeneDx Variant Classification Process June 2021. Collection method: clinical testing. Allele origin: germline.
Comment: Not observed at significant frequency in large population cohorts (gnomAD); In silico analysis supports that this missense variant has a deleterious effect on protein structure/function; Has not been previously published as pathogenic or benign to our knowledge

NM_001330311.2(DVL1):c.1919G>C (p.Gly640Ala)

Gene: DVL1 (dishevelled segment polarity protein 1; minus strand). Cytogenetic location: 1p36.33.
Variant type: single nucleotide variant.
Coding change: c.1919G>C on transcript NM_001330311.2 (MANE Select); coding-DNA position 1919, G replaced by C.
Protein change: p.Gly640Ala; replaces glycine 640 with alanine.
Molecular consequence: missense variant.
Genome position (GRCh38, 1-based): chr1:1,336,311, C>G on the plus strand (G>C on the coding strand, the complement: DVL1 is on the minus strand). VCF-style: chr1-1336311-C-G. GRCh37 (hg19) VCF-style: chr1-1271691-C-G.
Other names: c.1844G>C, p.Gly615Ala (NM_004421.3); short protein forms G615A, G640A.
Identifiers: ClinVar variation 4278898 (VCV004278898.2).
Genomic context (GRCh38, chr1:1,336,311, plus strand): 5'-CCCCCGGGTGGCCCCCCCACCACTGTATAGGCCTTGGTCGTGGGGTGGGGCGGGGGGAGC[C>G]CCGGGGCGGTAGCCGAGGCCTGACTGCGTGGGCTGCTGCCACGGCTGAGCTGGCCGGCCG-3'
Protein context (NP_001317240.1, residues 630-650): PRSQASATAP[Gly640Ala]LPPPHPTTKA